The following is an entry in ClinVar:

NM_003172.4(SURF1):c.32T>G (p.Leu11Arg)

Gene: SURF1 (SURF1 cytochrome c oxidase assembly factor; minus strand). Cytogenetic location: 9q34.2.
Variant type: single nucleotide variant.
Coding change: c.32T>G on transcript NM_003172.4 (MANE Select); coding-DNA position 32, T replaced by G.
Protein change: p.Leu11Arg; replaces leucine 11 with arginine.
Molecular consequence: missense variant. On other transcripts: 5 prime UTR variant (1).
Genome position (GRCh38, 1-based): chr9:133,356,422, A>C on the plus strand (T>G on the coding strand, the complement: SURF1 is on the minus strand). VCF-style: chr9-133356422-A-C. GRCh37 (hg19) VCF-style: chr9-136223298-A-C.
Other names: c.-244T>G (NM_001280787.1); short protein forms L11R.
Identifiers: ClinVar variation 1394749 (VCV001394749.3), dbSNP rs1773521003, ClinGen allele CA375695160.

ClinVar aggregate classification (germline): Uncertain significance (1 of 4 stars; one submission).

Conditions:
Leigh syndrome (NULS). Also called: Leigh Syndrome (mtDNA deletion); Leigh's syndrome; Leigh Disease; Subacute necrotizing encephalopathy; Necrotizing encephalopathy infantile subacute of Leigh; LEIGH SYNDROME, NUCLEAR. Identifiers: Orphanet 506, MedGen C2931891, MONDO:0009723, OMIM 256000.

Allele frequency attached by ClinVar (database versions not stated): TOPMed below 0.00001.
gnomAD v4.1: 1 of 1,381,036 alleles (0.000072%); highest among the groups gnomAD compares: Non-Finnish European, 0.000094%; no homozygotes.

Submission:

Labcorp Genetics (formerly Invitae), Labcorp
Classification: Uncertain significance for Leigh syndrome. Last evaluated: 2022-07-05. Review status: criteria provided, single submitter. Criteria: Invitae Variant Classification Sherloc (09022015). Collection method: clinical testing. Allele origin: germline.
Comment: This sequence change replaces leucine, which is neutral and non-polar, with arginine, which is basic and polar, at codon 11 of the SURF1 protein (p.Leu11Arg). This variant is not present in population databases (gnomAD no frequency). This variant has not been reported in the literature in individuals affected with SURF1-related conditions. ClinVar contains an entry for this variant (Variation ID: 1394749). Algorithms developed to predict the effect of missense changes on protein structure and function are either unavailable or do not agree on the potential impact of this missense change (SIFT: "Tolerated"; PolyPhen-2: "Not Available"; Align-GVGD: "Class C0"). In summary, the available evidence is currently insufficient to determine the role of this variant in disease. Therefore, it has been classified as a Variant of Uncertain Significance.